The following is an entry in ClinVar:

NM_020822.3(KCNT1):c.1731C>T (p.Gly577=)

Gene: KCNT1 (potassium sodium-activated channel subfamily T member 1; plus strand). Cytogenetic location: 9q34.3.
Variant type: single nucleotide variant.
Coding change: c.1731C>T on transcript NM_020822.3 (MANE Select); coding-DNA position 1731, C replaced by T.
Protein change: p.Gly577=; no amino-acid change (glycine 577 retained).
Molecular consequence: synonymous variant.
Genome position (GRCh38, 1-based): chr9:135,770,409, C>T. VCF-style: chr9-135770409-C-T. GRCh37 (hg19) VCF-style: chr9-138662255-C-T.
Other names: c.1596C>T, p.Gly532= (NM_001272003.2).
Identifiers: ClinVar variation 3749646 (VCV003749646.2).

ClinVar aggregate classification (germline): Uncertain significance (1 of 4 stars; one submission).

Conditions:
Autosomal dominant nocturnal frontal lobe epilepsy 5. Also called: KCNT1-Related Epilepsy; CILIARY DYSKINESIA, PRIMARY, 28, WITHOUT SITUS INVERSUS; CILIARY DYSKINESIA, PRIMARY, 28, WITH SITUS INVERSUS; Epilepsy, nocturnal frontal lobe, 5. Identifiers: Orphanet 98784, MedGen C3554306, MONDO:0014002, OMIM 615005.
Developmental and epileptic encephalopathy, 14 (DEE14). Also called: Early infantile epileptic encephalopathy 14. Identifiers: Orphanet 293181, MedGen C3554195, MONDO:0013989, OMIM 614959.

Submission:

Labcorp Genetics (formerly Invitae), Labcorp
Classification: Uncertain significance for Autosomal dominant nocturnal frontal lobe epilepsy 5; Developmental and epileptic encephalopathy, 14. Last evaluated: 2024-06-05. Review status: criteria provided, single submitter. Criteria: Invitae Variant Classification Sherloc (09022015). Collection method: clinical testing. Allele origin: germline.
Comment: This sequence change affects codon 577 of the KCNT1 mRNA. It is a 'silent' change, meaning that it does not change the encoded amino acid sequence of the KCNT1 protein. This variant is not present in population databases (gnomAD no frequency). This variant has not been reported in the literature in individuals affected with KCNT1-related conditions. Algorithms developed to predict the effect of sequence changes on RNA splicing suggest that this variant may disrupt the consensus splice site. In summary, the available evidence is currently insufficient to determine the role of this variant in disease. Therefore, it has been classified as a Variant of Uncertain Significance.